The following is an entry in ClinVar:

ClinVar aggregate classification (germline): Uncertain significance (1 of 4 stars; one submission).

Conditions:
Intellectual developmental disorder, autosomal dominant 44, with microcephaly. Also called: Micrognathia-recurrent infections-behavioral abnormalities-mild intellectual disability syndrome; TRIO-Related Intellectual Disability. Identifiers: Orphanet 476126, MedGen C4310740, MONDO:0014892, OMIM 617061.

Submission:

Baylor Genetics
Classification: Uncertain significance for Intellectual developmental disorder, autosomal dominant 44, with microcephaly. Last evaluated: 2020-05-13. Review status: criteria provided, single submitter. Criteria: ACMG Guidelines, 2015. Collection method: clinical testing. Allele origin: unknown. Affected: yes.
Comment: This variant was determined to be of uncertain significance according to ACMG Guidelines, 2015 [PMID:25741868].

NM_007118.4(TRIO):c.6866A>G (p.Asn2289Ser)

Gene: TRIO (trio Rho guanine nucleotide exchange factor; plus strand). Cytogenetic location: 5p15.2.
Variant type: single nucleotide variant.
Coding change: c.6866A>G on transcript NM_007118.4 (MANE Select); coding-DNA position 6866, A replaced by G.
Protein change: p.Asn2289Ser; replaces asparagine 2289 with serine.
Molecular consequence: missense variant. On other transcripts: non-coding transcript variant (1).
Genome position (GRCh38, 1-based): chr5:14,487,494, A>G. VCF-style: chr5-14487494-A-G. GRCh37 (hg19) VCF-style: chr5-14487603-A-G.
Other names: short protein forms N2289S.
Identifiers: ClinVar variation 1031143 (VCV001031143.1), dbSNP rs1756015567, ClinGen allele CA359236327.
Genomic context (GRCh38, chr5:14,487,494, plus strand): 5'-CCCAGTCTCTCCCGCTGTCTTGTCTTACAGCCTTGACATCGCCAATCGAGTACCAGAGGA[A>G]CCACAGCGGGGGCGGCGGCGGCGGCGGCAGCGGGGGCAGCGGCGGGGGTGGGGGCAGCGG-3'
Protein context (NP_009049.2, residues 2279-2299): ALTSPIEYQR[Asn2289Ser]HSGGGGGGGS